The following is an entry in ClinVar:

NM_000129.4(F13A1):c.1984C>T (p.Arg662Ter)

Gene: F13A1 (coagulation factor XIII A chain; minus strand). Cytogenetic location: 6p25.1.
Variant type: single nucleotide variant.
Coding change: c.1984C>T on transcript NM_000129.4 (MANE Select); coding-DNA position 1984, C replaced by T.
Protein change: p.Arg662Ter; replaces arginine 662 with a stop codon.
Molecular consequence: nonsense.
Genome position (GRCh38, 1-based): chr6:6,151,874, G>A on the plus strand (C>T on the coding strand, the complement: F13A1 is on the minus strand). VCF-style: chr6-6151874-G-A. GRCh37 (hg19) VCF-style: chr6-6152107-G-A.
Other names: F13A1, ARG661TER; R661*; c.1984C>T (NM_000129.3); short protein forms R662*.
Identifiers: ClinVar variation 16539 (VCV000016539.3), dbSNP rs267606789, ClinGen allele CA126651.

ClinVar aggregate classification (germline): Pathogenic. Review status: criteria provided, multiple submitters, no conflicts (2 of 4 stars). 3 submissions from 3 submitters: Pathogenic (2). 1 of the submissions does not count toward it. Last evaluated 2024-11-12.

Conditions:
F13A1-related disorder. Also called: F13A1-related condition.
Factor XIII, A subunit, deficiency of. Also called: Factor XIII subunit A deficiency. Identifiers: Orphanet 331, MedGen C2750514, MONDO:0013187, OMIM 613225, HP:0040233.

Allele frequency attached by ClinVar (database versions not stated): gnomAD 0.00032; TOPMed 0.00004; gnomAD exomes 0.00007 and 0.00018; ExAC 0.00015.
gnomAD v4.1: 136 of 1,613,880 alleles (0.0084%); highest among the groups gnomAD compares: African/African-American, 0.008%; no homozygotes.

Submissions (3):

Clinical Genetics Laboratory, Skane University Hospital Lund
Classification: Pathogenic for Factor XIII, A subunit, deficiency of. Last evaluated: 2024-11-12. Review status: criteria provided, single submitter. Criteria: ACMG Guidelines, 2015. Collection method: clinical testing. Allele origin: germline. Inheritance: Autosomal recessive inheritance. Affected: yes.
Comment: ACMG criteria used: PVS1, PS4 and PM2.

PreventionGenetics, part of Exact Sciences
Classification: Pathogenic for F13A1-related condition. Last evaluated: 2022-11-21. Review status: criteria provided, single submitter. Criteria: ACMG Guidelines, 2015. Collection method: clinical testing. Allele origin: germline.
Comment: The F13A1 c.1984C>T variant is predicted to result in premature protein termination (p.Arg662*). The c.1984C>T (p.Arg662*) variant has been reported as a recurrent causative variant in patients with Factor XIII deficiency (described as Arg-661-Stop based on legacy nomenclature in Mikkola et al. 1994. PubMed ID: 8025280; Jang et al. 2015. PubMed ID: 25004025). This variant is reported in 0.20% of alleles in individuals of European (Finnish) descent in gnomAD. Nonsense variants in F13A1 are expected to be pathogenic. Based on the collective evidence, this variant is interpreted as pathogenic.

OMIM
Classification: Pathogenic for FACTOR XIII, A SUBUNIT, DEFICIENCY OF. Last evaluated: 1994-07-15. Review status: no assertion criteria provided. Collection method: literature only. Allele origin: germline. Not counted in ClinVar's aggregate classification.

Literature cited by the submitters: PubMed 8025280 (cited by OMIM).